The following is an entry in ClinVar:

ClinVar aggregate classification (germline): Uncertain significance. Review status: criteria provided, multiple submitters, no conflicts (2 of 4 stars). 2 submissions from 2 submitters: Uncertain significance (2). Last evaluated 2025-09-19.

Conditions:
Hereditary cancer-predisposing syndrome. Also called: Hereditary Cancer Syndrome; Tumor predisposition; Hereditary neoplastic syndrome; Neoplastic Syndromes, Hereditary. Identifiers: Orphanet 140162, MedGen C0027672, MeSH D009386, MONDO:0015356.
Hereditary breast ovarian cancer syndrome. Also called: Hereditary breast and ovarian cancer syndrome (HBOC); Breast and ovarian cancer; Hereditary breast and ovarian cancer syndrome; Hereditary breast and/or ovarian cancer syndrome; Hereditary breast and ovarian cancer; BRCA1- and BRCA2-Associated Hereditary Breast and Ovarian Cancer. Identifiers: Orphanet 145, MedGen C0677776, MeSH D061325, MONDO:0003582. Disease mechanism: loss of function.

Submissions (2):

Ambry Genetics
Classification: Uncertain significance for Hereditary cancer-predisposing syndrome. Last evaluated: 2025-09-19. Review status: criteria provided, single submitter. Criteria: Ambry Variant Classification Scheme 2023. Collection method: clinical testing. Allele origin: germline.
Comment: The p.D2317Y variant (also known as c.6949G>T), located in coding exon 12 of the BRCA2 gene, results from a G to T substitution at nucleotide position 6949. The aspartic acid at codon 2317 is replaced by tyrosine, an amino acid with highly dissimilar properties. This amino acid position is highly conserved in available vertebrate species. In addition, this alteration is predicted to be deleterious by in silico analysis. Based on the available evidence, the clinical significance of this variant remains unclear.

Labcorp Genetics (formerly Invitae), Labcorp
Classification: Uncertain significance for Hereditary breast ovarian cancer syndrome. Last evaluated: 2023-01-16. Review status: criteria provided, single submitter. Criteria: Invitae Variant Classification Sherloc (09022015). Collection method: clinical testing. Allele origin: germline.
Comment: In summary, the available evidence is currently insufficient to determine the role of this variant in disease. Therefore, it has been classified as a Variant of Uncertain Significance. Advanced modeling of protein sequence and biophysical properties (such as structural, functional, and spatial information, amino acid conservation, physicochemical variation, residue mobility, and thermodynamic stability) performed at Invitae indicates that this missense variant is not expected to disrupt BRCA2 protein function. ClinVar contains an entry for this variant (Variation ID: 1411528). This variant has not been reported in the literature in individuals affected with BRCA2-related conditions. This variant is not present in population databases (gnomAD no frequency). This sequence change replaces aspartic acid, which is acidic and polar, with tyrosine, which is neutral and polar, at codon 2317 of the BRCA2 protein (p.Asp2317Tyr).

NM_000059.4(BRCA2):c.6949G>T (p.Asp2317Tyr)

Gene: BRCA2 (BRCA2 DNA repair associated; plus strand). Cytogenetic location: 13q13.1.
Variant type: single nucleotide variant.
Coding change: c.6949G>T on transcript NM_000059.4 (MANE Select); coding-DNA position 6949, G replaced by T.
Protein change: p.Asp2317Tyr; replaces aspartic acid 2317 with tyrosine.
Molecular consequence: missense variant.
Genome position (GRCh38, 1-based): chr13:32,346,838, G>T. VCF-style: chr13-32346838-G-T. GRCh37 (hg19) VCF-style: chr13-32920975-G-T.
Other names: c.6949G>T (NM_000059.3); short protein forms D2317Y.
Identifiers: ClinVar variation 1411528 (VCV001411528.9), dbSNP rs2137541338, ClinGen allele CA387792988.